The following is an entry in ClinVar:

ClinVar aggregate classification (germline): Uncertain significance. Review status: criteria provided, multiple submitters, no conflicts (2 of 4 stars). 2 submissions from 2 submitters: Uncertain significance (2). Last evaluated 2022-03-30.

Conditions:
Combined oxidative phosphorylation deficiency. Identifiers: MedGen C4540031, MONDO:0000732.
Charcot-Marie-Tooth Neuropathy X. Identifiers: MedGen CN118851.

gnomAD v4.1: 6 of 1,211,992 alleles (0.0005%); highest among the groups gnomAD compares: Non-Finnish European, 0.00067%; no homozygotes.

Submissions (2):

GeneDx
Classification: Uncertain significance. Last evaluated: 2022-03-30. Review status: criteria provided, single submitter. Criteria: GeneDx Variant Classification Process June 2021. Collection method: clinical testing. Allele origin: germline. Affected: yes.
Comment: Not observed at significant frequency in large population cohorts (gnomAD); In silico analysis supports that this missense variant does not alter protein structure/function; Has not been previously published as pathogenic or benign to our knowledge; In silico analysis, which includes splice predictors and evolutionary conservation, suggests this variant may impact gene splicing. In the absence of RNA/functional studies, the actual effect of this sequence change is unknown.

Labcorp Genetics (formerly Invitae), Labcorp
Classification: Uncertain significance for Charcot-Marie-Tooth Neuropathy X; Combined oxidative phosphorylation deficiency. Last evaluated: 2022-03-14. Review status: criteria provided, single submitter. Criteria: Invitae Variant Classification Sherloc (09022015). Collection method: clinical testing. Allele origin: germline.
Comment: Algorithms developed to predict the effect of sequence changes on RNA splicing suggest that this variant may disrupt the consensus splice site. Algorithms developed to predict the effect of missense changes on protein structure and function output the following: SIFT: "Tolerated"; PolyPhen-2: "Benign"; Align-GVGD: "Class C0". The glycine amino acid residue is found in multiple mammalian species, which suggests that this missense change does not adversely affect protein function. This variant has not been reported in the literature in individuals affected with AIFM1-related conditions. This variant is not present in population databases (gnomAD no frequency). This sequence change replaces serine, which is neutral and polar, with glycine, which is neutral and non-polar, at codon 546 of the AIFM1 protein (p.Ser546Gly). In summary, the available evidence is currently insufficient to determine the role of this variant in disease. Therefore, it has been classified as a Variant of Uncertain Significance.

NM_004208.4(AIFM1):c.1636A>G (p.Ser546Gly)

Genes: AIFM1 (apoptosis inducing factor mitochondria associated 1; minus strand), RAB33A (RAB33A, member RAS oncogene family; plus strand). Cytogenetic location: Xq26.1.
Variant type: single nucleotide variant.
Coding change: c.1636A>G on transcript NM_004208.4 (MANE Select); coding-DNA position 1636, A replaced by G.
Protein change: p.Ser546Gly; replaces serine 546 with glycine.
Molecular consequence: missense variant. On other transcripts: 3 prime UTR variant (1), non-coding transcript variant (1).
Genome position (GRCh38, 1-based): chrX:130,130,104, T>C on the plus strand (A>G on the coding strand, the complement: AIFM1 is on the minus strand). VCF-style: chrX-130130104-T-C. GRCh37 (hg19) VCF-style: chrX-129264079-T-C.
Other names: c.619A>G, p.Ser207Gly (NM_001130846.4); c.*864A>G (NM_001130847.4); c.1624A>G, p.Ser542Gly (NM_145812.3); short protein forms S207G, S542G, S546G.
Identifiers: ClinVar variation 1707864 (VCV001707864.7), dbSNP rs1569415378, ClinGen allele CA414569036.